The following is an entry in ClinVar:

NM_004667.6(HERC2):c.2462C>T (p.Pro821Leu)

Gene: HERC2 (HECT and RLD domain containing E3 ubiquitin protein ligase 2; minus strand). Cytogenetic location: 15q13.1.
Variant type: single nucleotide variant.
Coding change: c.2462C>T on transcript NM_004667.6 (MANE Select); coding-DNA position 2462, C replaced by T.
Protein change: p.Pro821Leu; replaces proline 821 with leucine.
Molecular consequence: missense variant.
Genome position (GRCh38, 1-based): chr15:28,257,116, G>A on the plus strand (C>T on the coding strand, the complement: HERC2 is on the minus strand). VCF-style: chr15-28257116-G-A. GRCh37 (hg19) VCF-style: chr15-28502262-G-A.
Other names: c.2462C>T (NM_004667.4); short protein forms P821L.
Identifiers: ClinVar variation 1316584 (VCV001316584.4), dbSNP rs773677746, ClinGen allele CA7443201.
Genomic context (GRCh38, chr15:28,257,116, plus strand): 5'-AATACCTGAAGTCGTAGAAGATTCAGCGTTGCCACGGCCACACACTCTTTCTCCTGGGGC[G>A]GGGGCCAGTCCGCGGAACCATCCATCCCCTCACTCACCTGCCGAAGCAGGAGATCCAGCT-3'
Protein context (NP_004658.3, residues 811-831): EGMDGSADWP[Pro821Leu]PQEKECVAVA

ClinVar aggregate classification (germline): Uncertain significance. Review status: criteria provided, multiple submitters, no conflicts (2 of 4 stars). 2 submissions from 2 submitters: Uncertain significance (2). Last evaluated 2025-06-18.

Conditions:
Inborn genetic diseases. Identifiers: MedGen C0950123, MeSH D030342.

Allele frequency attached by ClinVar (database versions not stated): ExAC 0.00002; gnomAD exomes 0.00004.
gnomAD v4.1: 74 of 1,613,622 alleles (0.0046%); highest among the groups gnomAD compares: East Asian, 0.011%; no homozygotes.

Submissions (2):

Ambry Genetics
Classification: Uncertain significance for Inborn genetic diseases. Last evaluated: 2025-06-18. Review status: criteria provided, single submitter. Criteria: Ambry Variant Classification Scheme 2023. Collection method: clinical testing. Allele origin: germline.

GeneDx
Classification: Uncertain significance. Last evaluated: 2024-07-26. Review status: criteria provided, single submitter. Criteria: GeneDx Variant Classification Process June 2021. Collection method: clinical testing. Allele origin: germline. Affected: yes.
Comment: In silico analysis, which includes protein predictors and evolutionary conservation, supports a deleterious effect; Has not been previously published as pathogenic or benign to our knowledge